The following is an entry in ClinVar:

ClinVar aggregate classification (germline): Benign/Likely benign. Review status: criteria provided, multiple submitters, no conflicts (2 of 4 stars). 6 submissions from 6 submitters: Benign (3); Likely benign (3). Last evaluated 2026-07-01.

Conditions:
Inborn genetic diseases. Identifiers: MedGen C0950123, MeSH D030342.
KBG syndrome (KBGS). Also called: ANKRD11-Related KBG Syndrome. Identifiers: Orphanet 2332, MedGen C0220687, MONDO:0007846, OMIM 148050.

Allele frequency attached by ClinVar (database versions not stated): gnomAD 0.00004 and 0.00008; TOPMed 0.00007; ExAC 0.00012; 1000 Genomes Project 0.00060; 1000 Genomes Project 30x 0.00062.
gnomAD v4.1: 97 of 1,614,212 alleles (0.006%); highest among the groups gnomAD compares: East Asian, 0.14%; no homozygotes.

Submissions (6):

CeGaT Center for Human Genetics Tuebingen
Classification: Likely benign. Last evaluated: 2026-07-01. Review status: criteria provided, single submitter. Criteria: CeGaT Center For Human Genetics Tuebingen Variant Classification Criteria Version 2. Collection method: clinical testing. Allele origin: germline. Affected: yes. Observed: 2 variant alleles.
Comment: ANKRD11: BP4, BP7, BS1

Labcorp Genetics (formerly Invitae), Labcorp
Classification: Benign for KBG syndrome. Last evaluated: 2024-11-07. Review status: criteria provided, single submitter. Criteria: Invitae Variant Classification Sherloc (09022015). Collection method: clinical testing. Allele origin: germline.

Blueprint Genetics
Classification: Likely benign. Last evaluated: 2024-03-22. Review status: criteria provided, single submitter. Criteria: ACMG Guidelines, 2015. Collection method: clinical testing. Allele origin: germline.

Genome-Nilou Lab
Classification: Benign for KBG syndrome. Last evaluated: 2021-12-05. Review status: criteria provided, single submitter. Criteria: ACMG Guidelines, 2015. Collection method: clinical testing. Allele origin: germline. Affected: no.

Athena Diagnostics
Classification: Benign. Last evaluated: 2017-09-18. Review status: criteria provided, single submitter. Criteria: Athena Diagnostics Criteria. Collection method: clinical testing. Allele origin: germline.

Ambry Genetics
Classification: Likely benign for Inborn genetic diseases. Last evaluated: 2017-03-21. Review status: criteria provided, single submitter. Criteria: Ambry Variant Classification Scheme 2023. Collection method: clinical testing. Allele origin: germline.

NM_013275.6(ANKRD11):c.5250C>T (p.Thr1750=)

Gene: ANKRD11 (ankyrin repeat domain 11; minus strand). Cytogenetic location: 16q24.3.
Variant type: single nucleotide variant.
Coding change: c.5250C>T on transcript NM_013275.6 (MANE Select); coding-DNA position 5250, C replaced by T.
Protein change: p.Thr1750=; no amino-acid change (threonine 1750 retained).
Molecular consequence: synonymous variant.
Genome position (GRCh38, 1-based): chr16:89,281,292, G>A on the plus strand (C>T on the coding strand, the complement: ANKRD11 is on the minus strand). VCF-style: chr16-89281292-G-A. GRCh37 (hg19) VCF-style: chr16-89347700-G-A.
Other names: c.5250C>T, p.Thr1750= (NM_001256182.2, NM_001256183.2).
Identifiers: ClinVar variation 585412 (VCV000585412.21), dbSNP rs202126162, ClinGen allele CA8241892.